The following is an entry in ClinVar:

NM_002470.4(MYH3):c.1411-378dup

Gene: MYH3 (myosin heavy chain 3; minus strand). Cytogenetic location: 17p13.1.
Variant type: Duplication.
Coding change: c.1411-378dup on transcript NM_002470.4 (MANE Select); 378 bases into the intron before coding-DNA position 1411, one base duplicated (A; older notation c.1411-378dupA).
Molecular consequence: intron variant.
Genome position (GRCh38, 1-based): chr17:10,643,374, T duplicated on the plus strand (A on the coding strand, the reverse complement: MYH3 is on the minus strand); the first of 10 consecutive T bases (chr17:10,643,374-10,643,383); duplicating any one gives the same sequence. VCF-style (leftmost placement, unchanged base first): chr17-10643373-C-CT. GRCh37 (hg19) VCF-style: chr17-10546690-C-CT.
Identifiers: ClinVar variation 3044434 (VCV003044434.2), dbSNP rs542626408, ClinGen allele CA624888088.

ClinVar aggregate classification (germline): Likely benign (0 of 4 stars; one submission).

Conditions:
MYH3-related disorder. Also called: MYH3-Related Disorders; MYH3-related condition. Identifiers: MedGen CN239329.

Submission:

PreventionGenetics, part of Exact Sciences
Classification: Likely benign for MYH3-related condition. Last evaluated: 2021-03-09. Review status: no assertion criteria provided. Collection method: clinical testing. Allele origin: germline.
Comment: This variant is classified as likely benign based on ACMG/AMP sequence variant interpretation guidelines (Richards et al. 2015 PMID: 25741868, with internal and published modifications).